The following is an entry in ClinVar:

NM_004453.4(ETFDH):c.684+2T>C

Gene: ETFDH (electron transfer flavoprotein dehydrogenase; plus strand). Cytogenetic location: 4q32.1.
Variant type: single nucleotide variant.
Coding change: c.684+2T>C on transcript NM_004453.4 (MANE Select); the canonical splice donor site of the intron after coding-DNA position 684, T replaced by C.
Molecular consequence: splice donor variant.
Genome position (GRCh38, 1-based): chr4:158,690,427, T>C. VCF-style: chr4-158690427-T-C. GRCh37 (hg19) VCF-style: chr4-159611579-T-C.
Other names: c.543+2T>C (NM_001281737.2); c.501+2T>C (NM_001281738.1).
Identifiers: ClinVar variation 3590428 (VCV003590428.3).

ClinVar aggregate classification (germline): Likely pathogenic. Review status: criteria provided, multiple submitters, no conflicts (2 of 4 stars). 2 submissions from 2 submitters: Likely pathogenic (2). Last evaluated 2024-02-24.

Conditions:
Multiple acyl-CoA dehydrogenase deficiency (MADD). Also called: Glutaric Acidemia type 2; ETHYLMALONIC-ADIPICACIDURIA; GA II; Glutaric aciduria, type 2; Glutaric acidemia type II; GA 2. Identifiers: Orphanet 26791, MedGen C0268596, MONDO:0009282, OMIM 231680.

Submissions (2):

Labcorp Genetics (formerly Invitae), Labcorp
Classification: Likely pathogenic for Multiple acyl-CoA dehydrogenase deficiency. Last evaluated: 2024-02-24. Review status: criteria provided, single submitter. Criteria: Invitae Variant Classification Sherloc (09022015). Collection method: clinical testing. Allele origin: germline.
Comment: This sequence change affects a donor splice site in intron 6 of the ETFDH gene. It is expected to disrupt RNA splicing. Variants that disrupt the donor or acceptor splice site typically lead to a loss of protein function (PMID: 16199547), and loss-of-function variants in ETFDH are known to be pathogenic (PMID: 16510302, 23785301). This variant is not present in population databases (gnomAD no frequency). Disruption of this splice site has been observed in individual(s) with clinical features of multiple acyl-CoA dehydrogenase deficiency (PMID: 34704421). Algorithms developed to predict the effect of sequence changes on RNA splicing suggest that this variant may disrupt the consensus splice site. In summary, the currently available evidence indicates that the variant is pathogenic, but additional data are needed to prove that conclusively. Therefore, this variant has been classified as Likely Pathogenic.

Fulgent Genetics
Classification: Likely pathogenic for Multiple acyl-CoA dehydrogenase deficiency. Last evaluated: 2024-01-23. Review status: criteria provided, single submitter. Criteria: ACMG Guidelines, 2015. Collection method: clinical testing. Allele origin: germline.

Literature cited by the submitters: PubMed 16199547 (cited by Labcorp Genetics (formerly Invitae), Labcorp); PubMed 16510302 (cited by Labcorp Genetics (formerly Invitae), Labcorp); PubMed 23785301 (cited by Labcorp Genetics (formerly Invitae), Labcorp); PubMed 34704421 (cited by Labcorp Genetics (formerly Invitae), Labcorp).